The following is an entry in ClinVar:

NM_182480.3(COQ6):c.-36_-25dup

Genes: COQ6 (coenzyme Q6, monooxygenase; plus strand), FAM161B (FAM161 centrosomal protein B; minus strand). Cytogenetic location: 14q24.3.
Variant type: Duplication.
Coding change: c.-36_-25dup on transcript NM_182480.3; 36 bases upstream of the start codon through 25 bases upstream of the start codon, 12 bases duplicated (ACAGCGATAGTG).
Molecular consequence: 5 prime UTR variant.
Genome position (GRCh38, 1-based): chr14:73,950,057-73,950,068, ACAGCGATAGTG duplicated; duplicating any 12 consecutive bases within chr14:73,950,053-73,950,068 gives the same sequence; the c. name uses the placement nearest the transcript's 3' end. VCF-style (leftmost placement, unchanged base first): chr14-73950052-C-CAGTGACAGCGAT. GRCh37 (hg19) VCF-style: chr14-74416755-C-CAGTGACAGCGAT.
Other names: c.-38_-27dup (NM_152445.3); c.-36_-25dup (NM_001425258.1); c.-127_-116dup (NM_001425259.1, NM_001425261.1).
Identifiers: ClinVar variation 517856 (VCV000517856.3), dbSNP rs547039179, ClinGen allele CA7263970.

ClinVar aggregate classification (germline): Likely benign (1 of 4 stars; one submission).

Submission:

GeneDx
Classification: Likely benign. Last evaluated: 2015-12-21. Review status: criteria provided, single submitter. Criteria: GeneDx Variant Classification (06012015). Collection method: clinical testing. Allele origin: germline. Affected: yes.
Comment: This variant is considered likely benign or benign based on one or more of the following criteria: it is a conservative change, it occurs at a poorly conserved position in the protein, it is predicted to be benign by multiple in silico algorithms, and/or has population frequency not consistent with disease.